The following is an entry in ClinVar:

ClinVar aggregate classification (germline): Benign. Review status: reviewed by expert panel (3 of 4 stars). 3 submissions from 3 submitters: Benign (1). 2 of the submissions do not count toward it. Last evaluated 2022-06-06.

Conditions:
Deficiency of guanidinoacetate methyltransferase (CCDS2). Also called: GAMT DEFICIENCY; Guanidinoacetate Methyltransferase (GAMT) Deficiency; CEREBRAL CREATINE DEFICIENCY SYNDROME 2. Identifiers: Orphanet 382, MedGen C0574080, MONDO:0012999, OMIM 612736.

Allele frequency attached by ClinVar (database versions not stated): ExAC 0.00729; gnomAD 0.01754 and 0.01866; gnomAD exomes 0.00153 and 0.00440; TOPMed 0.01907; ESP Exome Variant Server 0.01913; 1000 Genomes Project 0.02456; 1000 Genomes Project 30x 0.02639.
gnomAD v4.1: 5,021 of 1,607,752 alleles (0.31%); highest among the groups gnomAD compares: African/African-American, 5.7%; 139 homozygotes.

Submissions (3):

ClinGen Cerebral Creatine Deficiency Syndromes Variant Curation Expert Panel, ClinGen
Classification: Benign for Deficiency of guanidinoacetate methyltransferase. Last evaluated: 2022-06-06. Review status: reviewed by expert panel. Criteria: ClinGen_CCDS_ACMG_Specifications_GAMT_v1.1. Collection method: curation. Allele origin: germline. Inheritance: Autosomal recessive inheritance.
Comment: The NM_000156.6:c.*11C>T variant is a nucleotide substitution in the 3'UTR of GAMT. Because the variant is located in the 3'UTR, it is not expected to alter the amino acid sequence of the gene product. The highest population minor allele frequency in gnomAD v2.1.1 is 0.05828 (1381/23694 alleles) in the African / African-American population, which is higher than the ClinGen CCDS VCEP’s threshold for BA1 (>0.003), and therefore meets this criterion (BA1). Furthermore, the variant has been observed in the homozygous state in 37 individuals out of 134,627 in gnomAD v2.1.1. Given the severity and early onset of the symptoms of GAMT deficiency, this data suggests that the variant does not cause this condition (BS2). It is not predicted to not impact splicing by Splice AI and VarSeak, and the nucleotide is not highly conserved (BP4, BP7). This variant is noted in ClinVar (ID 204598). In summary, this variant meets the criteria to be classified as benign for GAMT deficiency. GAMT-specific ACMG/AMP codes met, as specified by the ClinGen Cerebral Creatine Deficiency Syndromes VCEP (Specifications Version 1.1.0): BA1, BS2, BP4, BP7. (Classification approved by the ClinGen CCDS VCEP on June 6, 2022).

GeneDx
Classification: Benign. Last evaluated: 2012-05-10. Review status: criteria provided, single submitter. Criteria: GeneDx Variant Classification (06012015). Collection method: clinical testing. Allele origin: germline. Affected: yes. Not counted in ClinVar's aggregate classification.
Comment: This variant is considered likely benign or benign based on one or more of the following criteria: it is a conservative change, it occurs at a poorly conserved position in the protein, it is predicted to be benign by multiple in silico algorithms, and/or has population frequency not consistent with disease.

Breakthrough Genomics
Classification: Likely benign. Review status: criteria provided, single submitter. Criteria: ACMG Guidelines, 2015. Collection method: not provided. Allele origin: germline. Inheritance: Autosomal recessive inheritance. Affected: yes. Not counted in ClinVar's aggregate classification.

NM_000156.6(GAMT):c.*11C>T

Gene: GAMT (guanidinoacetate N-methyltransferase; minus strand). Cytogenetic location: 19p13.3.
Variant type: single nucleotide variant.
Coding change: c.*11C>T on transcript NM_000156.6 (MANE Select); 11 bases downstream of the stop codon, C replaced by T.
Molecular consequence: 3 prime UTR variant.
Genome position (GRCh38, 1-based): chr19:1,397,348, G>A on the plus strand (C>T on the coding strand, the complement: GAMT is on the minus strand). VCF-style: chr19-1397348-G-A. GRCh37 (hg19) VCF-style: chr19-1397347-G-A.
Identifiers: ClinVar variation 204598 (VCV000204598.7), dbSNP rs149268921, ClinGen allele CA291022.
Genomic context (GRCh38, chr19:1,397,348, plus strand): 5'-TGCGACACCCTGGACTCCCGGCCAGGAAGGCACGGAGGAGGGCATGGGTGTGGCCGGGCC[G>A]GGGTGGGGGCTCAGCCTTTGGTCACCAGGGGCGTGATCATCTGTGGGAAGGCGTAGTAGC-3'